The following is an entry in ClinVar:

ClinVar aggregate classification (germline): Pathogenic/Likely pathogenic. Review status: criteria provided, multiple submitters, no conflicts (2 of 4 stars). 2 submissions from 2 submitters: Pathogenic (1); Likely pathogenic (1). Last evaluated 2026-01-07.

Conditions:
Autosomal recessive polycystic kidney disease (ARPKD). Also called: AR polycystic kidney disease. Identifiers: Orphanet 731, Orphanet 8378, MedGen C0085548, MeSH D017044, MONDO:0009889.

Submissions (2):

Natera, Inc.
Classification: Likely pathogenic for Autosomal recessive polycystic kidney disease. Last evaluated: 2026-01-07. Review status: criteria provided, single submitter. Criteria: Natera Variant Classification Schema (03/2026). Collection method: clinical testing. Allele origin: germline.
Comment: The c.10673delG variant in PKHD1 is a frameshift variant predicted to shift the reading frame beginning at codon 3558 and leads to a stop codon 10 codons downstream. This variant is expected to result in nonsense mediated decay, truncation, or a dysfunctional protein product. This variant is rare in the general population with a frequency below the threshold expected for the associated phenotype(s). Given the available evidence, this variant is classified as Likely Pathogenic.

Labcorp Genetics (formerly Invitae), Labcorp
Classification: Pathogenic for Autosomal recessive polycystic kidney disease. Last evaluated: 2022-06-20. Review status: criteria provided, single submitter. Criteria: Invitae Variant Classification Sherloc (09022015). Collection method: clinical testing. Allele origin: germline.
Comment: For these reasons, this variant has been classified as Pathogenic. Algorithms developed to predict the effect of sequence changes on RNA splicing suggest that this variant may create or strengthen a splice site. This variant has not been reported in the literature in individuals affected with PKHD1-related conditions. This variant is not present in population databases (gnomAD no frequency). This sequence change creates a premature translational stop signal (p.Gly3558Valfs*10) in the PKHD1 gene. It is expected to result in an absent or disrupted protein product. Loss-of-function variants in PKHD1 are known to be pathogenic (PMID: 19940839).

Literature cited by the submitters: PubMed 19940839 (cited by Labcorp Genetics (formerly Invitae), Labcorp).

NM_138694.4(PKHD1):c.10673del (p.Gly3558fs)

Gene: PKHD1 (PKHD1 ciliary IPT domain containing fibrocystin/polyductin; minus strand). Cytogenetic location: 6p12.3.
Variant type: Deletion.
Coding change: c.10673del on transcript NM_138694.4 (MANE Select); coding-DNA position 10673, one base deleted (G; older notation c.10673delG).
Protein change: p.Gly3558fs; shifts the reading frame from glycine 3558.
Molecular consequence: frameshift variant.
Genome position (GRCh38, 1-based): chr6:51,659,453, C deleted on the plus strand (G on the coding strand, the reverse complement: PKHD1 is on the minus strand); the first of 2 consecutive C bases (chr6:51,659,453-51,659,454); deleting either gives the same sequence. VCF-style (leftmost placement, unchanged base first): chr6-51659452-AC-A. GRCh37 (hg19) VCF-style: chr6-51524250-AC-A.
Other names: c.10673delG (NM_138694.3); short protein forms G3558fs.
Identifiers: ClinVar variation 1457052 (VCV001457052.7), dbSNP rs2150414452, ClinGen allele CA2573140940.